The following is an entry in ClinVar:

NM_181523.3(PIK3R1):c.200G>A (p.Gly67Glu)

Gene: PIK3R1 (phosphoinositide-3-kinase regulatory subunit 1; plus strand). Cytogenetic location: 5q13.1.
Variant type: single nucleotide variant.
Coding change: c.200G>A on transcript NM_181523.3 (MANE Select); coding-DNA position 200, G replaced by A.
Protein change: p.Gly67Glu; replaces glycine 67 with glutamic acid.
Molecular consequence: missense variant.
Genome position (GRCh38, 1-based): chr5:68,226,875, G>A. VCF-style: chr5-68226875-G-A. GRCh37 (hg19) VCF-style: chr5-67522703-G-A.
Other names: short protein forms G67E.
Identifiers: ClinVar variation 951482 (VCV000951482.10), dbSNP rs1744296159, ClinGen allele CA359979796.

ClinVar aggregate classification (germline): Uncertain significance (1 of 4 stars; one submission).

Conditions:
Agammaglobulinemia 7, autosomal recessive (AGM7). Also called: AGAMMAGLOBULINEMIA, AUTOSOMAL RECESSIVE, DUE TO PIK3R1 DEFECT. Identifiers: MedGen C3554689, MONDO:0014083, OMIM 615214.
SHORT syndrome. Also called: LIPODYSTROPHY, PARTIAL, WITH RIEGER ANOMALY AND SHORT STATURE; PIK3R1-Related SHORT Syndrome; SHORT STATURE, HYPEREXTENSIBILITY, HERNIA, OCULAR DEPRESSION, RIEGER ANOMALY, AND TEETHING DELAY. Identifiers: Orphanet 3163, MedGen C0878684, MONDO:0010026, OMIM 269880.
Immunodeficiency 36 with lymphoproliferation. Also called: Immunodeficiency 36; Activated PI3K Delta Syndrome Type 2 (APDS2); ACTIVATED PI3K-DELTA SYNDROME 2. Identifiers: Orphanet 397596, Orphanet 693681, MedGen C4014934, MONDO:0014453, OMIM 616005.

Allele frequency attached by ClinVar (database versions not stated): gnomAD exomes below 0.00001.
gnomAD v4.1: 2 of 1,614,022 alleles (0.00012%); highest among the groups gnomAD compares: Non-Finnish European, 0.000085%; no homozygotes.

Submission:

Labcorp Genetics (formerly Invitae), Labcorp
Classification: Uncertain significance for SHORT syndrome; Immunodeficiency 36 with lymphoproliferation; Agammaglobulinemia 7, autosomal recessive. Last evaluated: 2019-05-06. Review status: criteria provided, single submitter. Criteria: Invitae Variant Classification Sherloc (09022015). Collection method: clinical testing. Allele origin: germline.
Comment: In summary, the available evidence is currently insufficient to determine the role of this variant in disease. Therefore, it has been classified as a Variant of Uncertain Significance. This sequence change replaces glycine with glutamic acid at codon 67 of the PIK3R1 protein (p.Gly67Glu). The glycine residue is highly conserved and there is a moderate physicochemical difference between glycine and glutamic acid. This variant is not present in population databases (ExAC no frequency). This variant has not been reported in the literature in individuals with PIK3R1-related conditions. Algorithms developed to predict the effect of missense changes on protein structure and function are either unavailable or do not agree on the potential impact of this missense change (SIFT: "Deleterious"; PolyPhen-2: "Probably Damaging"; Align-GVGD: "Class C0").